The following is an entry in ClinVar:

NM_013266.4(CTNNA3):c.694G>C (p.Ala232Pro)

Gene: CTNNA3 (catenin alpha 3; minus strand). Cytogenetic location: 10q21.3.
Variant type: single nucleotide variant.
Coding change: c.694G>C on transcript NM_013266.4 (MANE Select); coding-DNA position 694, G replaced by C.
Protein change: p.Ala232Pro; replaces alanine 232 with proline.
Molecular consequence: missense variant.
Genome position (GRCh38, 1-based): chr10:67,219,756, C>G on the plus strand (G>C on the coding strand, the complement: CTNNA3 is on the minus strand). VCF-style: chr10-67219756-C-G. GRCh37 (hg19) VCF-style: chr10-68979514-C-G.
Other names: c.694G>C, p.Ala232Pro (NM_001127384.3); c.730G>C, p.Ala244Pro (NM_001291133.2); short protein forms A232P, A244P.
Identifiers: ClinVar variation 962355 (VCV000962355.9), dbSNP rs1277837578, ClinGen allele CA377095792.

ClinVar aggregate classification (germline): Uncertain significance (1 of 4 stars; one submission).

Conditions:
Arrhythmogenic right ventricular dysplasia 13. Also called: Arrhythmogenic right ventricular dysplasia, familial, 13; ARRHYTHMOGENIC RIGHT VENTRICULAR CARDIOMYOPATHY 13. Identifiers: MedGen C3810138, MONDO:0000908, OMIM 615616.

Allele frequency attached by ClinVar (database versions not stated): gnomAD 0.00001.
gnomAD v4.1: 1 of 1,613,900 alleles (0.000062%); highest among the groups gnomAD compares: Non-Finnish European, 0.000085%; no homozygotes.

Submission:

Labcorp Genetics (formerly Invitae), Labcorp
Classification: Uncertain significance for Arrhythmogenic right ventricular dysplasia 13. Last evaluated: 2020-09-24. Review status: criteria provided, single submitter. Criteria: Invitae Variant Classification Sherloc (09022015). Collection method: clinical testing. Allele origin: germline.
Comment: This sequence change replaces alanine with proline at codon 232 of the CTNNA3 protein (p.Ala232Pro). The alanine residue is moderately conserved and there is a small physicochemical difference between alanine and proline. This variant is not present in population databases (ExAC no frequency). In summary, the available evidence is currently insufficient to determine the role of this variant in disease. Therefore, it has been classified as a Variant of Uncertain Significance. Algorithms developed to predict the effect of missense changes on protein structure and function are either unavailable or do not agree on the potential impact of this missense change (SIFT: "Tolerated"; PolyPhen-2: "Possibly Damaging"; Align-GVGD: "Class C0"). This variant has not been reported in the literature in individuals with CTNNA3-related conditions.